The following is an entry in ClinVar:

NM_005732.4(RAD50):c.2036C>T (p.Ser679Leu)

Gene: RAD50 (RAD50 double strand break repair protein; plus strand). Cytogenetic location: 5q31.1.
Variant type: single nucleotide variant.
Coding change: c.2036C>T on transcript NM_005732.4 (MANE Select); coding-DNA position 2036, C replaced by T.
Protein change: p.Ser679Leu; replaces serine 679 with leucine.
Molecular consequence: missense variant.
Genome position (GRCh38, 1-based): chr5:132,595,639, C>T. VCF-style: chr5-132595639-C-T. GRCh37 (hg19) VCF-style: chr5-131931331-C-T.
Other names: short protein forms S679L.
Identifiers: ClinVar variation 820532 (VCV000820532.11), dbSNP rs1580996992, ClinGen allele CA360949534.

ClinVar aggregate classification (germline): Uncertain significance. Review status: criteria provided, multiple submitters, no conflicts (2 of 4 stars). 2 submissions from 2 submitters: Uncertain significance (2). Last evaluated 2025-11-24.

Conditions:
Hereditary cancer-predisposing syndrome. Also called: Neoplastic Syndromes, Hereditary; Tumor predisposition; Hereditary Cancer Syndrome; Hereditary neoplastic syndrome. Identifiers: Orphanet 140162, MedGen C0027672, MeSH D009386, MONDO:0015356.

Submissions (2):

Ambry Genetics
Classification: Uncertain significance for Hereditary cancer-predisposing syndrome. Last evaluated: 2025-11-24. Review status: criteria provided, single submitter. Criteria: Ambry Variant Classification Scheme 2023. Collection method: clinical testing. Allele origin: germline.
Comment: The p.S679L variant (also known as c.2036C>T), located in coding exon 13 of the RAD50 gene, results from a C to T substitution at nucleotide position 2036. The serine at codon 679 is replaced by leucine, an amino acid with dissimilar properties. This amino acid position is not well conserved in available vertebrate species. In addition, this alteration is predicted to be tolerated by in silico analysis. Since supporting evidence is limited at this time, the clinical significance of this alteration remains unclear.

Labcorp Genetics (formerly Invitae), Labcorp
Classification: Uncertain significance for Hereditary cancer-predisposing syndrome. Last evaluated: 2023-05-20. Review status: criteria provided, single submitter. Criteria: Invitae Variant Classification Sherloc (09022015). Collection method: clinical testing. Allele origin: germline.
Comment: This sequence change replaces serine, which is neutral and polar, with leucine, which is neutral and non-polar, at codon 679 of the RAD50 protein (p.Ser679Leu). This variant is not present in population databases (gnomAD no frequency). This variant has not been reported in the literature in individuals affected with RAD50-related conditions. ClinVar contains an entry for this variant (Variation ID: 820532). Advanced modeling of protein sequence and biophysical properties (such as structural, functional, and spatial information, amino acid conservation, physicochemical variation, residue mobility, and thermodynamic stability) has been performed at Invitae for this missense variant, however the output from this modeling did not meet the statistical confidence thresholds required to predict the impact of this variant on RAD50 protein function. In summary, the available evidence is currently insufficient to determine the role of this variant in disease. Therefore, it has been classified as a Variant of Uncertain Significance.